The following is an entry in ClinVar:

NM_001003787.4(STRADA):c.683G>A (p.Arg228Gln)

Gene: STRADA (STE20 related adaptor alpha; minus strand). Cytogenetic location: 17q23.3.
Variant type: single nucleotide variant.
Coding change: c.683G>A on transcript NM_001003787.4 (MANE Select); coding-DNA position 683, G replaced by A.
Protein change: p.Arg228Gln; replaces arginine 228 with glutamine.
Molecular consequence: missense variant.
Genome position (GRCh38, 1-based): chr17:63,707,317, C>T on the plus strand (G>A on the coding strand, the complement: STRADA is on the minus strand). VCF-style: chr17-63707317-C-T. GRCh37 (hg19) VCF-style: chr17-61784677-C-T.
Other names: c.572G>A, p.Arg191Gln (NM_001003786.3, NM_001363789.1, NM_153335.6); c.509G>A, p.Arg170Gln (NM_001003788.3, NM_001363790.1, NM_001363791.1); c.596G>A, p.Arg199Gln (NM_001165969.2, NM_001363787.1); c.551G>A, p.Arg184Gln (NM_001165970.2); c.659G>A, p.Arg220Gln (NM_001363786.1); c.683G>A, p.Arg228Gln (NM_001363788.1); short protein forms R228Q, R170Q, R184Q, R199Q, R220Q, R191Q.
Identifiers: ClinVar variation 1446294 (VCV001446294.5), dbSNP rs762253647, ClinGen allele CA8703313.

ClinVar aggregate classification (germline): Uncertain significance (1 of 4 stars; one submission).

Conditions:
Polyhydramnios, megalencephaly, and symptomatic epilepsy (PMSE). Also called: PMSE SYNDROME. Identifiers: Orphanet 500533, MedGen C1970203, MONDO:0012611, OMIM 611087.

Allele frequency attached by ClinVar (database versions not stated): gnomAD 0.00001 and 0.00002; gnomAD exomes 0.00001; ExAC 0.00002; TOPMed 0.00004.
gnomAD v4.1: 25 of 1,614,050 alleles (0.0015%); highest among the groups gnomAD compares: African/African-American, 0.0053%; no homozygotes.

Submission:

Labcorp Genetics (formerly Invitae), Labcorp
Classification: Uncertain significance for Polyhydramnios, megalencephaly, and symptomatic epilepsy. Last evaluated: 2022-08-09. Review status: criteria provided, single submitter. Criteria: Invitae Variant Classification Sherloc (09022015). Collection method: clinical testing. Allele origin: germline.
Comment: This sequence change replaces arginine, which is basic and polar, with glutamine, which is neutral and polar, at codon 228 of the STRADA protein (p.Arg228Gln). This variant is present in population databases (rs762253647, gnomAD 0.004%). This variant has not been reported in the literature in individuals affected with STRADA-related conditions. ClinVar contains an entry for this variant (Variation ID: 1446294). Algorithms developed to predict the effect of missense changes on protein structure and function (SIFT, PolyPhen-2, Align-GVGD) all suggest that this variant is likely to be tolerated. In summary, the available evidence is currently insufficient to determine the role of this variant in disease. Therefore, it has been classified as a Variant of Uncertain Significance.